The following is an entry in ClinVar:

NM_000051.4(ATM):c.5319+3C>T

Gene: ATM (ATM serine/threonine kinase; plus strand). Cytogenetic location: 11q22.3.
Variant type: single nucleotide variant.
Coding change: c.5319+3C>T on transcript NM_000051.4 (MANE Select); 3 bases into the intron after coding-DNA position 5319, C replaced by T.
Molecular consequence: intron variant.
Genome position (GRCh38, 1-based): chr11:108,301,792, C>T. VCF-style: chr11-108301792-C-T. GRCh37 (hg19) VCF-style: chr11-108172519-C-T.
Other names: c.5319+3C>T (NM_001351834.2).
Identifiers: ClinVar variation 482542 (VCV000482542.20), dbSNP rs371640963, ClinGen allele CA658656249.

ClinVar aggregate classification (germline): Uncertain significance. Review status: criteria provided, multiple submitters, no conflicts (2 of 4 stars). 6 submissions from 6 submitters: Uncertain significance (6). Last evaluated 2024-11-20.

Conditions:
Hereditary cancer-predisposing syndrome. Also called: Hereditary neoplastic syndrome; Neoplastic Syndromes, Hereditary; Tumor predisposition; Hereditary Cancer Syndrome. Identifiers: Orphanet 140162, MedGen C0027672, MeSH D009386, MONDO:0015356.
Ataxia-telangiectasia syndrome (AT). Also called: LOUIS-BAR SYNDROME; Cerebello-oculocutaneous telangiectasia; Immunodeficiency with ataxia telangiectasia; AT, COMPLEMENTATION GROUP C; Ataxia-telangiectasia, complementation group D; ATAXIA-TELANGIECTASIA, COMPLEMENTATION GROUP A. Identifiers: Orphanet 100, MedGen C0004135, MONDO:0008840, OMIM 208900.
Familial cancer of breast. Also called: BREAST CANCER, FAMILIAL; Hereditary breast cancer; hereditary breast carcinoma. Identifiers: Orphanet 227535, MedGen C0346153, MONDO:0016419, OMIM 114480. Disease mechanism: loss of function.

Allele frequency attached by ClinVar (database versions not stated): TOPMed 0.00001.

Submissions (6):

Quest Diagnostics Nichols Institute San Juan Capistrano
Classification: Uncertain significance. Last evaluated: 2024-11-20. Review status: criteria provided, single submitter. Criteria: Quest Diagnostics criteria. Collection method: clinical testing. Allele origin: unknown.
Comment: The ATM c.5319+3C>T variant has not been reported in individuals with ATM-related conditions in the published literature. It also has not been reported in large, multi-ethnic general populations (Genome Aggregation Database). Analysis of this variant using software algorithms for the prediction of the effect of nucleotide changes on splicing yielded predictions that this variant does not affect ATM mRNA splicing. Based on the available information, we are unable to determine the clinical significance of this variant.

Ambry Genetics
Classification: Uncertain significance for Hereditary cancer-predisposing syndrome. Last evaluated: 2024-09-30. Review status: criteria provided, single submitter. Criteria: Ambry Variant Classification Scheme 2023. Collection method: clinical testing. Allele origin: germline.
Comment: The c.5319+3C>T intronic variant results from a C to T substitution 3 nucleotides after coding exon 34 in the ATM gene. This nucleotide position is not well conserved in available vertebrate species. In silico splice site analysis for this alteration is inconclusive; however, direct evidence is insufficient at this time (Ambry internal data). Since supporting evidence is limited at this time, the clinical significance of this alteration remains unclear.

Labcorp Genetics (formerly Invitae), Labcorp
Classification: Uncertain significance for Ataxia-telangiectasia syndrome. Last evaluated: 2024-01-11. Review status: criteria provided, single submitter. Criteria: Invitae Variant Classification Sherloc (09022015). Collection method: clinical testing. Allele origin: germline.
Comment: This sequence change falls in intron 35 of the ATM gene. It does not directly change the encoded amino acid sequence of the ATM protein. It affects a nucleotide within the consensus splice site. This variant is not present in population databases (gnomAD no frequency). This variant has not been reported in the literature in individuals affected with ATM-related conditions. ClinVar contains an entry for this variant (Variation ID: 482542). Variants that disrupt the consensus splice site are a relatively common cause of aberrant splicing (PMID: 17576681, 9536098). Algorithms developed to predict the effect of sequence changes on RNA splicing suggest that this variant is not likely to affect RNA splicing. In summary, the available evidence is currently insufficient to determine the role of this variant in disease. Therefore, it has been classified as a Variant of Uncertain Significance.

Color Diagnostics, LLC DBA Color Health
Classification: Uncertain significance for Hereditary cancer-predisposing syndrome. Last evaluated: 2021-11-24. Review status: criteria provided, single submitter. Criteria: ACMG Guidelines, 2015. Collection method: clinical testing. Allele origin: germline.
Comment: This variant causes a C to T nucleotide substitution at the +3 position of intron 35 of the ATM gene. To our knowledge, functional studies have not been reported for this variant. This variant has not been reported in individuals affected with hereditary cancer in the literature. This variant has not been identified in the general population by the Genome Aggregation Database (gnomAD). The available evidence is insufficient to determine the role of this variant in disease conclusively. Therefore, this variant is classified as a Variant of Uncertain Significance.

Department of Pathology and Laboratory Medicine, Sinai Health System
Classification: Uncertain significance for Familial cancer of breast; Ataxia-telangiectasia syndrome. Last evaluated: 2020-03-25. Review status: criteria provided, single submitter. Criteria: ACMG Guidelines, 2015. Collection method: clinical testing. Allele origin: germline. Affected: yes.

GeneDx
Classification: Uncertain significance. Last evaluated: 2019-09-23. Review status: criteria provided, single submitter. Criteria: GeneDx Variant Classification Process June 2021. Collection method: clinical testing. Allele origin: germline. Affected: yes.
Comment: Not observed in large population cohorts (Lek et al., 2016); Has not been previously published as pathogenic or benign to our knowledge; In-silico analysis, which includes splice predictors and evolutionary conservation, is inconclusive as to whether the variant alters gene splicing. In the absence of RNA/functional studies, the actual effect of this sequence change is unknown.

Literature cited by the submitters: PubMed 38153744 (cited by Quest Diagnostics Nichols Institute San Juan Capistrano); PubMed 17576681 (cited by Labcorp Genetics (formerly Invitae), Labcorp); PubMed 9536098 (cited by Labcorp Genetics (formerly Invitae), Labcorp).